The following is an entry in ClinVar:

ClinVar aggregate classification (germline): not provided (0 of 4 stars; one submission).

Allele frequency attached by ClinVar (database versions not stated): gnomAD 0.00001 and 0.00003; TOPMed 0.00002.
gnomAD v4.1: 4 of 151,890 alleles (0.0026%); highest among the groups gnomAD compares: East Asian, 0.058%; no homozygotes.

Submission:

Human Evolutionary Genetics, Institut Pasteur
No classification provided. Review status: no classification provided. Collection method: not provided. Allele origin: germline.
ClinVar note: Converted during submission from untested to not provided.

NM_033004.4(NLRP1):c.4103-161A>G

Gene: NLRP1 (NLR family pyrin domain containing 1; minus strand). Cytogenetic location: 17p13.2.
Variant type: single nucleotide variant.
Coding change: c.4103-161A>G on transcript NM_033004.4 (MANE Select); 161 bases into the intron before coding-DNA position 4103, A replaced by G.
Molecular consequence: intron variant.
Genome position (GRCh38, 1-based): chr17:5,515,234, T>C on the plus strand (A>G on the coding strand, the complement: NLRP1 is on the minus strand). VCF-style: chr17-5515234-T-C. GRCh37 (hg19) VCF-style: chr17-5418554-T-C.
Other names: c.4069+2512A>G (NM_001033053.3); c.3881-161A>G (NM_033007.4); c.4013-161A>G (NM_033006.4); c.3971-161A>G (NM_014922.5).
Identifiers: ClinVar variation 103030 (VCV000103030.2), dbSNP rs199476219, ClinGen allele CA018530.